The following is an entry in ClinVar:

ClinVar aggregate classification (germline): Uncertain significance (1 of 4 stars; one submission).

Conditions:
Inborn genetic diseases. Identifiers: MedGen C0950123, MeSH D030342.

gnomAD v4.1: 3 of 1,614,032 alleles (0.00019%); highest among the groups gnomAD compares: South Asian, 0.0011%; no homozygotes.

Submission:

Ambry Genetics
Classification: Uncertain significance for Inborn genetic diseases. Last evaluated: 2025-08-22. Review status: criteria provided, single submitter. Criteria: Ambry Variant Classification Scheme 2023. Collection method: clinical testing. Allele origin: germline.
Comment: The p.G1010D variant (also known as c.3029G>A), located in coding exon 31 of the FANCA gene, results from a G to A substitution at nucleotide position 3029. The glycine at codon 1010 is replaced by aspartic acid, an amino acid with similar properties. This amino acid position is conserved. In addition, this alteration is predicted to be tolerated by in silico analysis. Based on the available evidence, the clinical significance of this variant remains unclear.

NM_000135.4(FANCA):c.3029G>A (p.Gly1010Asp)

Gene: FANCA (FA complementation group A; minus strand). Cytogenetic location: 16q24.3.
Variant type: single nucleotide variant.
Coding change: c.3029G>A on transcript NM_000135.4 (MANE Select); coding-DNA position 3029, G replaced by A.
Protein change: p.Gly1010Asp; replaces glycine 1010 with aspartic acid.
Molecular consequence: missense variant.
Genome position (GRCh38, 1-based): chr16:89,752,175, C>T on the plus strand (G>A on the coding strand, the complement: FANCA is on the minus strand). VCF-style: chr16-89752175-C-T. GRCh37 (hg19) VCF-style: chr16-89818583-C-T.
Other names: c.3029G>A, p.Gly1010Asp (NM_001286167.3); short protein forms G1010D.
Identifiers: ClinVar variation 4254310 (VCV004254310.1).